The following is an entry in ClinVar:

NM_206933.4(USH2A):c.2666T>A (p.Leu889Ter)

Genes: USH2A (usherin; minus strand), LOC122152296 (Sharpr-MPRA regulatory region 8762; plus strand). Cytogenetic location: 1q41.
Variant type: single nucleotide variant.
Coding change: c.2666T>A on transcript NM_206933.4 (MANE Select); coding-DNA position 2666, T replaced by A.
Protein change: p.Leu889Ter; replaces leucine 889 with a stop codon.
Molecular consequence: nonsense.
Genome position (GRCh38, 1-based): chr1:216,246,728, A>T on the plus strand (T>A on the coding strand, the complement: USH2A is on the minus strand). VCF-style: chr1-216246728-A-T. GRCh37 (hg19) VCF-style: chr1-216420070-A-T.
Other names: c.2666T>A, p.Leu889Ter (NM_007123.6); short protein forms L889*.
Identifiers: ClinVar variation 1400376 (VCV001400376.6), dbSNP rs1572088248, ClinGen allele CA344864304.

ClinVar aggregate classification (germline): Pathogenic (1 of 4 stars; one submission).

Submission:

Labcorp Genetics (formerly Invitae), Labcorp
Classification: Pathogenic. Last evaluated: 2021-10-10. Review status: criteria provided, single submitter. Criteria: Invitae Variant Classification Sherloc (09022015). Collection method: clinical testing. Allele origin: germline.
Comment: This variant is not present in population databases (ExAC no frequency). This sequence change creates a premature translational stop signal (p.Leu889*) in the USH2A gene. It is expected to result in an absent or disrupted protein product. Loss-of-function variants in USH2A are known to be pathogenic (PMID: 10729113, 10909849, 20507924, 25649381). This variant has not been reported in the literature in individuals affected with USH2A-related conditions. For these reasons, this variant has been classified as Pathogenic.

Literature cited by the submitters: PubMed 10729113; PubMed 10909849; PubMed 20507924; PubMed 25649381.